The following is an entry in ClinVar:

ClinVar aggregate classification (germline): Benign/Likely benign. Review status: criteria provided, multiple submitters, no conflicts (2 of 4 stars). 6 submissions from 6 submitters: Benign (4); Likely benign (1). 1 of the submissions does not count toward it. Last evaluated 2026-02-01.

Conditions:
DNAH9-related disorder. Also called: DNAH9-related condition.

Allele frequency attached by ClinVar (database versions not stated): gnomAD exomes 0.01331; ExAC 0.01642; gnomAD 0.05012 and 0.05383; 1000 Genomes Project 0.05391; TOPMed 0.05591; ESP Exome Variant Server 0.05682; 1000 Genomes Project 30x 0.05965.
gnomAD v4.1: 15,376 of 1,614,104 alleles (0.95%); highest among the groups gnomAD compares: African/African-American, 18%; 1,209 homozygotes.

Submissions (6):

Labcorp Genetics (formerly Invitae), Labcorp
Classification: Benign. Last evaluated: 2026-02-01. Review status: criteria provided, single submitter. Criteria: Invitae Variant Classification Sherloc (09022015). Collection method: clinical testing. Allele origin: germline.

Blueprint Genetics
Classification: Likely benign. Last evaluated: 2024-11-27. Review status: criteria provided, single submitter. Criteria: ACMG Guidelines, 2015. Collection method: clinical testing. Allele origin: germline.

Mayo Clinic Laboratories, Mayo Clinic
Classification: Benign. Last evaluated: 2024-01-14. Review status: criteria provided, single submitter. Criteria: ACMG Guidelines, 2015. Collection method: clinical testing. Allele origin: germline. Observed: 4 variant alleles.

GeneDx
Classification: Benign. Last evaluated: 2021-05-04. Review status: criteria provided, single submitter. Criteria: GeneDx Variant Classification Process June 2021. Collection method: clinical testing. Allele origin: germline. Affected: yes.

Breakthrough Genomics
Classification: Benign. Review status: criteria provided, single submitter. Criteria: ACMG Guidelines, 2015. Collection method: not provided. Allele origin: germline. Inheritance: Autosomal recessive inheritance. Affected: yes.

PreventionGenetics, part of Exact Sciences
Classification: Benign for DNAH9-related condition. Last evaluated: 2019-09-30. Review status: no assertion criteria provided. Collection method: clinical testing. Allele origin: germline. Not counted in ClinVar's aggregate classification.
Comment: This variant is classified as benign based on ACMG/AMP sequence variant interpretation guidelines (Richards et al. 2015 PMID: 25741868, with internal and published modifications).

NM_001372.4(DNAH9):c.8904G>T (p.Lys2968Asn)

Gene: DNAH9 (dynein axonemal heavy chain 9; plus strand). Cytogenetic location: 17p12.
Variant type: single nucleotide variant.
Coding change: c.8904G>T on transcript NM_001372.4 (MANE Select); coding-DNA position 8904, G replaced by T.
Protein change: p.Lys2968Asn; replaces lysine 2968 with asparagine.
Molecular consequence: missense variant.
Genome position (GRCh38, 1-based): chr17:11,822,491, G>T. VCF-style: chr17-11822491-G-T. GRCh37 (hg19) VCF-style: chr17-11725808-G-T.
Other names: p.Lys2968Asn; short protein forms K2968N.
Identifiers: ClinVar variation 1224081 (VCV001224081.16), dbSNP rs11871037, ClinGen allele CA8397084.